The following is an entry in ClinVar:

ClinVar aggregate classification (germline): Pathogenic (1 of 4 stars; one submission).

Conditions:
Muscular dystrophy. Identifiers: Orphanet 98473, MedGen C0026850, MeSH D009136, MONDO:0020121, HP:0003560.

Submission:

Laboratory for Molecular Medicine, Mass General Brigham Personalized Medicine
Classification: Pathogenic for Muscular dystrophy. Last evaluated: 2016-08-19. Review status: criteria provided, single submitter. Criteria: LMM Criteria. Collection method: clinical testing. Allele origin: germline. Observed: 1 variant allele.
Comment: The c.(?_32)_(649_?)del variant in DMD is a deletion of exons 2-7, which is pred icted to result in an in-frame deletion. In-frame deletions in DMD are generally associated with Becker muscular dystrophy (BMD; Darras 2014). Multiple deletion s in this region have been reported in individuals with BMD (Beggs 1991, Gold 19 92, Nigro 1997, Yuge 1999, Suminaga 2000, Kaspar 2009). In summary, this variant meets our criteria to be classified as pathogenic for dystrophinopathies in an X-linked manner.

Literature cited by the submitters: PubMed 2063877; PubMed 9327405; PubMed 11185740; PubMed 20031633; PubMed 10465346; PubMed 1549142.

NM_004006.2(DMD):c.(?_32)_(649_?)del

Gene: DMD (dystrophin; minus strand). Cytogenetic location: Xp21.1.
Variant type: Deletion.
Coding change: c.(?_32)_(649_?)del on transcript NM_004006.2; a large deletion whose breakpoints are not mapped to the base.
Other names: c.(?_32)_(649_?)del (NM_004006.2, LRG_199t1).
Identifiers: ClinVar variation 505317 (VCV000505317.4).